The following is an entry in ClinVar:

NM_000088.4(COL1A1):c.2684del (p.Pro895fs)

Gene: COL1A1 (collagen type I alpha 1 chain; minus strand). Cytogenetic location: 17q21.33.
Variant type: Deletion.
Coding change: c.2684del on transcript NM_000088.4 (MANE Select); coding-DNA position 2684, one base deleted (C; older notation c.2684delC).
Protein change: p.Pro895fs; shifts the reading frame from proline 895.
Molecular consequence: frameshift variant.
Genome position (GRCh38, 1-based): chr17:50,189,522, G deleted on the plus strand (C on the coding strand, the reverse complement: COL1A1 is on the minus strand); the first of 5 consecutive G bases (chr17:50,189,522-50,189,526); deleting any one gives the same sequence. VCF-style (leftmost placement, unchanged base first): chr17-50189521-AG-A. GRCh37 (hg19) VCF-style: chr17-48266882-AG-A.
Other names: c.2684delC (NM_000088.3); short protein forms P895fs.
Identifiers: ClinVar variation 456754 (VCV000456754.10), dbSNP rs72653151, ClinGen allele CA291543204.

ClinVar aggregate classification (germline): Pathogenic. Review status: criteria provided, multiple submitters, no conflicts (2 of 4 stars). 2 submissions from 2 submitters: Pathogenic (2). Last evaluated 2025-03-04.

Conditions:
Osteogenesis imperfecta type I (OI1). Also called: OI, TYPE I; OSTEOGENESIS IMPERFECTA TARDA; OSTEOGENESIS IMPERFECTA WITH BLUE SCLERAE; Osteogenesis imperfecta type 1; Lobstein's Disease; Lobstein disease. Identifiers: Orphanet 216796, Orphanet 666, MedGen C0023931, MONDO:0008146, OMIM 166200. Disease mechanism: loss of function.

Submissions (2):

Institute of Human Genetics, University of Leipzig Medical Center
Classification: Pathogenic for Osteogenesis imperfecta type I. Last evaluated: 2025-03-04. Review status: criteria provided, single submitter. Criteria: ACMG Guidelines, 2015. Collection method: clinical testing. Allele origin: de novo. Inheritance: Autosomal dominant inheritance. Affected: yes.
Comment: Criteria applied: PVS1,PS2_MOD,PS4_MOD,PM2,PP4

Labcorp Genetics (formerly Invitae), Labcorp
Classification: Pathogenic for Osteogenesis imperfecta type I. Last evaluated: 2017-03-19. Review status: criteria provided, single submitter. Criteria: Invitae Variant Classification Sherloc (09022015). Collection method: clinical testing. Allele origin: germline.
Comment: For these reasons, this variant has been classified as Pathogenic. Loss-of-function variants in COL1A1 are known to be pathogenic. This particular variant has been reported in the literature in individuals with osteogenesis imperfecta (PMID: 11317364, 27509835). This sequence change deletes 1 nucleotide in exon 39 of the COL1A1 mRNA (c.2684delC), causing a frameshift at codon 895. This creates a premature translational stop signal (p.Pro895Leufs*213) and is expected to result in an absent or disrupted protein product.

Literature cited by the submitters: PubMed 11317364 (cited by Labcorp Genetics (formerly Invitae), Labcorp); PubMed 27509835 (cited by Labcorp Genetics (formerly Invitae), Labcorp).